The following is an entry in ClinVar:

ClinVar aggregate classification (germline): Uncertain significance (1 of 4 stars; one submission).

Conditions:
Hereditary cancer-predisposing syndrome. Also called: Tumor predisposition; Hereditary Cancer Syndrome; Hereditary neoplastic syndrome; Neoplastic Syndromes, Hereditary. Identifiers: Orphanet 140162, MedGen C0027672, MeSH D009386, MONDO:0015356.

Submission:

Ambry Genetics
Classification: Uncertain significance for Hereditary cancer-predisposing syndrome. Last evaluated: 2025-12-03. Review status: criteria provided, single submitter. Criteria: Ambry Variant Classification Scheme 2023. Collection method: clinical testing. Allele origin: germline.
Comment: The p.A1328V variant (also known as c.3983C>T), located in coding exon 28 of the SMARCA4 gene, results from a C to T substitution at nucleotide position 3983. The alanine at codon 1328 is replaced by valine, an amino acid with similar properties. This amino acid position is conserved. In addition, the in silico prediction for this alteration is inconclusive. Based on the available evidence, the clinical significance of this variant remains unclear.

NM_003072.5(SMARCA4):c.3983C>T (p.Ala1328Val)

Gene: SMARCA4 (SWI/SNF related BAF chromatin remodeling complex subunit ATPase 4; plus strand). Cytogenetic location: 19p13.2.
Variant type: single nucleotide variant.
Coding change: c.3983C>T on transcript NM_003072.5 (MANE Select); coding-DNA position 3983, C replaced by T.
Protein change: p.Ala1328Val; replaces alanine 1328 with valine.
Molecular consequence: missense variant. On other transcripts: non-coding transcript variant (1).
Genome position (GRCh38, 1-based): chr19:11,034,945, C>T. VCF-style: chr19-11034945-C-T. GRCh37 (hg19) VCF-style: chr19-11145621-C-T.
Other names: c.3983C>T, p.Ala1328Val (NM_001128844.3, NM_001128849.3, NM_001387283.1); c.3884C>T, p.Ala1295Val (NM_001128845.2, NM_001128846.2, NM_001128847.4 and 3 more transcripts); short protein forms A1328V, A1295V.
Identifiers: ClinVar variation 4549815 (VCV004549815.1).
Genomic context (GRCh38, chr19:11,034,945, plus strand): 5'-GCCTCTCCCGTTGCCTCCCTGCCCACCAGCGCATGGACCTGGACCGCAGGCGCGAGGAGG[C>T]CCGCAACCCCAAGCGGAAGCCGCGCCTCATGGAGGAGGACGAGCTCCCCTCGTGGATCAT-3'
Protein context (NP_003063.2, residues 1318-1338): RMDLDRRREE[Ala1328Val]RNPKRKPRLM